The following is an entry in ClinVar:

ClinVar aggregate classification (germline): Likely benign. Review status: criteria provided, multiple submitters, no conflicts (2 of 4 stars). 2 submissions from 2 submitters: Likely benign (2). Last evaluated 2018-06-16.

Allele frequency attached by ClinVar (database versions not stated): 1000 Genomes Project 30x 0.01077; 1000 Genomes Project 0.01098; TOPMed 0.01809.
gnomAD v4.1: 37,526 of 1,363,290 alleles (2.8%); highest among the groups gnomAD compares: Non-Finnish European, 3.3%; 651 homozygotes.

Submissions (2):

GeneDx
Classification: Likely benign. Last evaluated: 2018-06-16. Review status: criteria provided, single submitter. Criteria: GeneDx Variant Classification (06012015). Collection method: clinical testing. Allele origin: germline. Affected: yes.
Comment: This variant is considered likely benign or benign based on one or more of the following criteria: it is a conservative change, it occurs at a poorly conserved position in the protein, it is predicted to be benign by multiple in silico algorithms, and/or has population frequency not consistent with disease.

Breakthrough Genomics
Classification: Likely benign. Review status: criteria provided, single submitter. Criteria: ACMG Guidelines, 2015. Collection method: not provided. Allele origin: germline. Inheritance: Autosomal recessive inheritance. Affected: yes.

NM_018429.3(BDP1):c.1956+60G>A

Gene: BDP1 (B double prime 1, subunit of RNA polymerase III transcription initiation factor IIIB; plus strand). Cytogenetic location: 5q13.2.
Variant type: single nucleotide variant.
Coding change: c.1956+60G>A on transcript NM_018429.3 (MANE Select); 60 bases into the intron after coding-DNA position 1956, G replaced by A.
Molecular consequence: intron variant.
Genome position (GRCh38, 1-based): chr5:71,497,486, G>A. VCF-style: chr5-71497486-G-A. GRCh37 (hg19) VCF-style: chr5-70793313-G-A.
Identifiers: ClinVar variation 683195 (VCV000683195.2), dbSNP rs62374362, ClinGen allele CA119985967.